The following is an entry in ClinVar:

NM_000530.8(MPZ):c.662C>T (p.Ala221Val)

Gene: MPZ (myelin protein zero; minus strand). Cytogenetic location: 1q23.3.
Variant type: single nucleotide variant.
Coding change: c.662C>T on transcript NM_000530.8 (MANE Select); coding-DNA position 662, C replaced by T.
Protein change: p.Ala221Val; replaces alanine 221 with valine.
Molecular consequence: missense variant.
Genome position (GRCh38, 1-based): chr1:161,305,961, G>A on the plus strand (C>T on the coding strand, the complement: MPZ is on the minus strand). VCF-style: chr1-161305961-G-A. GRCh37 (hg19) VCF-style: chr1-161275751-G-A.
Other names: c.662C>T (LRG_256t1); c.662C>T, p.Ala221Val (NM_001315491.2); short protein forms A221V.
Identifiers: ClinVar variation 462799 (VCV000462799.12), dbSNP rs1040557288, ClinGen allele CA343344430.

ClinVar aggregate classification (germline): Uncertain significance (1 of 4 stars; one submission).

Conditions:
Charcot-Marie-Tooth disease type 1B. Also called: CHARCOT-MARIE-TOOTH DISEASE, AUTOSOMAL DOMINANT, WITH FOCALLY FOLDED MYELIN SHEATHS, TYPE 1B; CHARCOT-MARIE-TOOTH DISEASE, SLOW NERVE CONDUCTION TYPE, LINKED TO DUFFY; CHARCOT-MARIE-TOOTH NEUROPATHY, TYPE 1B; HEREDITARY MOTOR AND SENSORY NEUROPATHY I; HEREDITARY MOTOR AND SENSORY NEUROPATHY IB; PERONEAL MUSCULAR ATROPHY. Identifiers: Orphanet 101082, MedGen C0270912, MONDO:0007307, OMIM 118200.
Charcot-Marie-Tooth disease dominant intermediate D. Also called: CHARCOT-MARIE-TOOTH NEUROPATHY, DOMINANT INTERMEDIATE D; Charcot-Marie-Tooth disease dominant intermediate 3; CMT DI3. Identifiers: Orphanet 100046, MedGen C1843075, MONDO:0011909, OMIM 607791.
Charcot-Marie-Tooth disease type 2I (CMT2I). Also called: CHARCOT-MARIE-TOOTH DISEASE, AXONAL, TYPE 2I. Identifiers: Orphanet 99942, MedGen C3888087, MONDO:0011889, OMIM 607677.
Charcot-Marie-Tooth disease type 2J (CMT2J). Also called: CHARCOT-MARIE-TOOTH DISEASE, AXONAL, TYPE 2J; CHARCOT-MARIE-TOOTH DISEASE, TYPE 2, WITH HEARING LOSS AND PUPILLARY ABNORMALITIES; CHARCOT-MARIE-TOOTH NEUROPATHY, TYPE 2J. Identifiers: Orphanet 99943, MedGen C1843153, MONDO:0011903, OMIM 607736.
Charcot-Marie-Tooth disease, type I (CMT1). Also called: Charcot-Marie-Tooth, Type 1; Charcot-Marie-Tooth disease type 1. Identifiers: Orphanet 65753, MedGen C0751036, MONDO:0019011.

Allele frequency attached by ClinVar (database versions not stated): gnomAD 0.00001.

Submission:

Labcorp Genetics (formerly Invitae), Labcorp
Classification: Uncertain significance for Charcot-Marie-Tooth disease, type I. Last evaluated: 2024-12-27. Review status: criteria provided, single submitter. Criteria: Invitae Variant Classification Sherloc (09022015). Collection method: clinical testing. Allele origin: germline.
Comment: This sequence change replaces alanine, which is neutral and non-polar, with valine, which is neutral and non-polar, at codon 221 of the MPZ protein (p.Ala221Val). This variant is present in population databases (no rsID available, gnomAD 0.007%). This variant has not been reported in the literature in individuals affected with MPZ-related conditions. ClinVar contains an entry for this variant (Variation ID: 462799). An algorithm developed to predict the effect of missense changes on protein structure and function (PolyPhen-2) suggests that this variant is likely to be disruptive. In summary, the available evidence is currently insufficient to determine the role of this variant in disease. Therefore, it has been classified as a Variant of Uncertain Significance.